The following is an entry in ClinVar:

NM_003850.3(SUCLA2):c.1240G>A (p.Asp414Asn)

Gene: SUCLA2 (succinate-CoA ligase ADP-forming subunit beta; minus strand). Cytogenetic location: 13q14.2.
Variant type: single nucleotide variant.
Coding change: c.1240G>A on transcript NM_003850.3 (MANE Select); coding-DNA position 1240, G replaced by A.
Protein change: p.Asp414Asn; replaces aspartic acid 414 with asparagine.
Molecular consequence: missense variant.
Genome position (GRCh38, 1-based): chr13:47,949,017, C>T on the plus strand (G>A on the coding strand, the complement: SUCLA2 is on the minus strand). VCF-style: chr13-47949017-C-T. GRCh37 (hg19) VCF-style: chr13-48523152-C-T.
Other names: short protein forms D414N.
Identifiers: ClinVar variation 2151246 (VCV002151246.4), dbSNP rs760414248, ClinGen allele CA6977797.

ClinVar aggregate classification (germline): Uncertain significance (1 of 4 stars; one submission).

Conditions:
Mitochondrial DNA depletion syndrome, encephalomyopathic form with methylmalonic aciduria (MTDPS5). Also called: Mitochondrial encephalomyopathy aminoacidopathy; SUCLA2-Related Mitochondrial DNA Depletion Syndrome, Encephalomyopathic Form with Methylmalonic Aciduria; MITOCHONDRIAL DNA DEPLETION SYNDROME, ENCEPHALOMYOPATHIC FORM, WITH OR WITHOUT METHYLMALONIC ACIDURIA, AUTOSOMAL RECESSIVE, SUCLA2-RELATED; Mitochondrial DNA depletion syndrome 5 (encephalomyopathic with or without methylmalonic aciduria). Identifiers: Orphanet 1933, MedGen C5980207, MONDO:0012791, OMIM 612073.

Allele frequency attached by ClinVar (database versions not stated): gnomAD exomes below 0.00001; TOPMed below 0.00001; ExAC 0.00001.

Submission:

Labcorp Genetics (formerly Invitae), Labcorp
Classification: Uncertain significance for Mitochondrial DNA depletion syndrome, encephalomyopathic form with methylmalonic aciduria. Last evaluated: 2022-05-12. Review status: criteria provided, single submitter. Criteria: Invitae Variant Classification Sherloc (09022015). Collection method: clinical testing. Allele origin: germline.
Comment: In summary, the available evidence is currently insufficient to determine the role of this variant in disease. Therefore, it has been classified as a Variant of Uncertain Significance. Algorithms developed to predict the effect of missense changes on protein structure and function are either unavailable or do not agree on the potential impact of this missense change (SIFT: "Deleterious"; PolyPhen-2: "Benign"; Align-GVGD: "Class C0"). This variant has not been reported in the literature in individuals affected with SUCLA2-related conditions. This variant is present in population databases (rs760414248, gnomAD 0.0009%). This sequence change replaces aspartic acid, which is acidic and polar, with asparagine, which is neutral and polar, at codon 414 of the SUCLA2 protein (p.Asp414Asn).